The following is an entry in ClinVar:

NM_015474.4(SAMHD1):c.1180_1181del (p.Ala393_Asp394insTer)

Gene: SAMHD1 (SAM and HD domain containing deoxynucleoside triphosphate triphosphohydrolase 1; minus strand). Cytogenetic location: 20q11.23.
Variant type: Deletion.
Coding change: c.1180_1181del on transcript NM_015474.4 (MANE Select); coding-DNA positions 1180 to 1181, 2 bases deleted (GA; older notation c.1180_1181delGA).
Protein change: p.Ala393_Asp394insTer.
Molecular consequence: nonsense.
Genome position (GRCh38, 1-based): chr20:36,911,307-36,911,308, TC deleted on the plus strand (GA on the coding strand, the reverse complement: SAMHD1 is on the minus strand); deleting any 2 consecutive bases within chr20:36,911,307-36,911,309 gives the same sequence; the c. name uses the placement nearest the transcript's 3' end. VCF-style (leftmost placement, unchanged base first): chr20-36911306-ATC-A. GRCh37 (hg19) VCF-style: chr20-35539709-ATC-A.
Other names: c.1180_1181del, p.Ala393_Asp394insTer (NM_001363729.2, NM_001363733.2).
Identifiers: ClinVar variation 2855357 (VCV002855357.3), dbSNP rs1180941945, ClinGen allele CA744016267.

ClinVar aggregate classification (germline): Pathogenic (1 of 4 stars; one submission).

Conditions:
Aicardi-Goutieres syndrome 5. Identifiers: Orphanet 51, MedGen C2749659, MONDO:0013059, OMIM 612952.

Submission:

Labcorp Genetics (formerly Invitae), Labcorp
Classification: Pathogenic for Aicardi-Goutieres syndrome 5. Last evaluated: 2023-04-12. Review status: criteria provided, single submitter. Criteria: Invitae Variant Classification Sherloc (09022015). Collection method: clinical testing. Allele origin: germline.
Comment: This sequence change creates a premature translational stop signal (p.Asp394*) in the SAMHD1 gene. It is expected to result in an absent or disrupted protein product. Loss-of-function variants in SAMHD1 are known to be pathogenic (PMID: 19525956, 22461318). This variant is not present in population databases (gnomAD no frequency). This variant has not been reported in the literature in individuals affected with SAMHD1-related conditions. For these reasons, this variant has been classified as Pathogenic.

Literature cited by the submitters: PubMed 19525956; PubMed 22461318.